The following is an entry in ClinVar:

NM_001164508.2(NEB):c.3248C>G (p.Ala1083Gly)

Gene: NEB (nebulin; minus strand). Cytogenetic location: 2q23.3.
Variant type: single nucleotide variant.
Coding change: c.3248C>G on transcript NM_001164508.2 (MANE Select); coding-DNA position 3248, C replaced by G.
Protein change: p.Ala1083Gly; replaces alanine 1083 with glycine.
Molecular consequence: missense variant.
Genome position (GRCh38, 1-based): chr2:151,679,728, G>C on the plus strand (C>G on the coding strand, the complement: NEB is on the minus strand). VCF-style: chr2-151679728-G-C. GRCh37 (hg19) VCF-style: chr2-152536242-G-C.
Other names: c.3248C>G, p.Ala1083Gly (NM_004543.5, NM_001164507.2, NM_001271208.2); short protein forms A1083G.
Identifiers: ClinVar variation 4749582 (VCV004749582.1).

ClinVar aggregate classification (germline): Uncertain significance (1 of 4 stars; one submission).

Conditions:
Nemaline myopathy 2 (NEM2). Also called: Nemaline myopathy 2, autosomal recessive. Identifiers: MedGen C1850569, MONDO:0009725, OMIM 256030.

Submission:

Labcorp Genetics (formerly Invitae), Labcorp
Classification: Uncertain significance for Nemaline myopathy 2. Last evaluated: 2025-09-05. Review status: criteria provided, single submitter. Criteria: Invitae Variant Classification Sherloc (09022015). Collection method: clinical testing. Allele origin: germline.
Comment: This sequence change replaces alanine, which is neutral and non-polar, with glycine, which is neutral and non-polar, at codon 1083 of the NEB protein (p.Ala1083Gly). This variant is not present in population databases (gnomAD no frequency). This variant has not been reported in the literature in individuals affected with NEB-related conditions. Experimental studies and prediction algorithms are not available or were not evaluated, and the functional significance of this variant is currently unknown. In summary, the available evidence is currently insufficient to determine the role of this variant in disease. Therefore, it has been classified as a Variant of Uncertain Significance.